The following is an entry in ClinVar:

NM_001429.4(EP300):c.2512C>T (p.Arg838Cys)

Gene: EP300 (E1A binding protein p300; plus strand). Cytogenetic location: 22q13.2.
Variant type: single nucleotide variant.
Coding change: c.2512C>T on transcript NM_001429.4 (MANE Select); coding-DNA position 2512, C replaced by T.
Protein change: p.Arg838Cys; replaces arginine 838 with cysteine.
Molecular consequence: missense variant.
Genome position (GRCh38, 1-based): chr22:41,149,893, C>T. VCF-style: chr22-41149893-C-T. GRCh37 (hg19) VCF-style: chr22-41545897-C-T.
Other names: c.2434C>T, p.Arg812Cys (NM_001362843.2); short protein forms R812C, R838C.
Identifiers: ClinVar variation 3355097 (VCV003355097.1).

ClinVar aggregate classification (germline): Uncertain significance (0 of 4 stars; one submission).

Conditions:
EP300-related disorder. Also called: EP300-related disorders; EP300-related condition.

gnomAD v4.1: 6 of 1,613,900 alleles (0.00037%); highest among the groups gnomAD compares: Admixed American, 0.0017%; no homozygotes.

Submission:

PreventionGenetics, part of Exact Sciences
Classification: Uncertain significance for EP300-related condition. Last evaluated: 2024-06-18. Review status: no assertion criteria provided. Collection method: clinical testing. Allele origin: germline.
Comment: The EP300 c.2512C>T variant is predicted to result in the amino acid substitution p.Arg838Cys. This variant has been reported in an individual with Infantile spasms (Table S2, Rochtus et al 2020. PubMed ID: 31957018). This variant has not been reported in a large population database, indicating this variant is rare. At this time, the clinical significance of this variant is uncertain due to the absence of conclusive functional and genetic evidence.